The following is an entry in ClinVar:

NM_001291303.3(FAT4):c.8996A>C (p.Lys2999Thr)

Gene: FAT4 (FAT atypical cadherin 4; plus strand). Cytogenetic location: 4q28.1.
Variant type: single nucleotide variant.
Coding change: c.8996A>C on transcript NM_001291303.3 (MANE Select); coding-DNA position 8996, A replaced by C.
Protein change: p.Lys2999Thr; replaces lysine 2999 with threonine.
Molecular consequence: missense variant.
Genome position (GRCh38, 1-based): chr4:125,450,006, A>C. VCF-style: chr4-125450006-A-C. GRCh37 (hg19) VCF-style: chr4-126371161-A-C.
Other names: c.8996A>C, p.Lys2999Thr (NM_001291285.3); c.8990A>C, p.Lys2997Thr (NM_024582.6); short protein forms K2997T, K2999T.
Identifiers: ClinVar variation 1356417 (VCV001356417.8), dbSNP rs2126058886, ClinGen allele CA358148795.

ClinVar aggregate classification (germline): Uncertain significance (1 of 4 stars; one submission).

Allele frequency attached by ClinVar (database versions not stated): gnomAD exomes below 0.00001.
gnomAD v4.1: 1 of 1,613,948 alleles (0.000062%); no homozygotes.

Submission:

Labcorp Genetics (formerly Invitae), Labcorp
Classification: Uncertain significance. Last evaluated: 2021-05-26. Review status: criteria provided, single submitter. Criteria: Invitae Variant Classification Sherloc (09022015). Collection method: clinical testing. Allele origin: germline.
Comment: This variant has not been reported in the literature in individuals with FAT4-related conditions. In summary, the available evidence is currently insufficient to determine the role of this variant in disease. Therefore, it has been classified as a Variant of Uncertain Significance. Advanced modeling of protein sequence and biophysical properties (such as structural, functional, and spatial information, amino acid conservation, physicochemical variation, residue mobility, and thermodynamic stability) performed at Invitae indicates that this missense variant is not expected to disrupt FAT4 protein function. This variant is not present in population databases (ExAC no frequency). This sequence change replaces lysine with threonine at codon 2997 of the FAT4 protein (p.Lys2997Thr). The lysine residue is moderately conserved and there is a moderate physicochemical difference between lysine and threonine.